The following is an entry in ClinVar:

ClinVar aggregate classification (germline): Conflicting classifications of pathogenicity. Review status: criteria provided, conflicting classifications (1 of 4 stars). 5 submissions from 5 submitters: Uncertain significance (2); Likely benign (3). Last evaluated 2025-10-08.

Conditions:
GARS1-related disorder. Also called: GARS1-related condition.
Charcot-Marie-Tooth disease type 2. Also called: Charcot-Marie-Tooth type 2. Identifiers: Orphanet 64746, MedGen C0270914, MONDO:0018993.

Allele frequency attached by ClinVar (database versions not stated): gnomAD 0.00003 and 0.00004; gnomAD exomes 0.00008 and 0.00016; TOPMed 0.00013; ExAC 0.00022.

Submissions (5):

Labcorp Genetics (formerly Invitae), Labcorp
Classification: Likely benign for Charcot-Marie-Tooth disease type 2. Last evaluated: 2025-10-08. Review status: criteria provided, single submitter. Criteria: Invitae Variant Classification Sherloc (09022015). Collection method: clinical testing. Allele origin: germline.

PreventionGenetics, part of Exact Sciences
Classification: Likely benign for GARS1-related condition. Last evaluated: 2025-09-26. Review status: criteria provided, single submitter. Criteria: ACMG Guidelines, 2015. Collection method: clinical testing. Allele origin: germline.
Comment: This variant is classified as likely benign based on ACMG/AMP sequence variant interpretation guidelines (Richards et al. 2015 PMID: 25741868, with internal and published modifications).

GeneDx
Classification: Uncertain significance. Last evaluated: 2025-09-12. Review status: criteria provided, single submitter. Criteria: GeneDx Variant Classification Process June 2021. Collection method: clinical testing. Allele origin: germline. Affected: yes.
Comment: In silico analysis suggests that this missense variant does not alter protein structure/function; This variant is associated with the following publications: (PMID: 34813128, 26503042, 26138142, 25168514, 32376792)

CeGaT Center for Human Genetics Tuebingen
Classification: Likely benign. Last evaluated: 2024-02-01. Review status: criteria provided, single submitter. Criteria: CeGaT Center For Human Genetics Tuebingen Variant Classification Criteria Version 2. Collection method: clinical testing. Allele origin: germline. Affected: yes. Observed: 2 variant alleles.
Comment: GARS1: BP4

Ambry Genetics
Classification: Uncertain significance. Last evaluated: 2023-01-27. Review status: criteria provided, single submitter. Criteria: Ambry Variant Classification Scheme 2023. Collection method: clinical testing. Allele origin: germline.
Comment: Unlikely to be causative of GARS1-related axonal neuropathy (AD) Based on insufficient or conflicting evidence, the clinical significance of this alteration remains unclear.

NM_002047.4(GARS1):c.787G>A (p.Val263Ile)

Gene: GARS1 (glycyl-tRNA synthetase 1; plus strand). Cytogenetic location: 7p14.3.
Variant type: single nucleotide variant.
Coding change: c.787G>A on transcript NM_002047.4 (MANE Select); coding-DNA position 787, G replaced by A.
Protein change: p.Val263Ile; replaces valine 263 with isoleucine.
Molecular consequence: missense variant.
Genome position (GRCh38, 1-based): chr7:30,609,636, G>A. VCF-style: chr7-30609636-G-A. GRCh37 (hg19) VCF-style: chr7-30649252-G-A.
Other names: c.787G>A (LRG_243t1, NM_002047.3); c.625G>A, p.Val209Ile (NM_001316772.1); short protein forms V263I, V209I.
Identifiers: ClinVar variation 245853 (VCV000245853.56), dbSNP rs77518956, ClinGen allele CA4205827.
Genomic context (GRCh38, chr7:30,609,636, plus strand): 5'-GTCTTTTAGCTTGATAACTATGGACAGCAAGAACTTGCGGATCTTTTTGTGAACTATAAT[G>A]TAAAATCTCCCATTACTGGAAATGATCTATCCCCTCCAGTGTCTTTTAACTTAATGTTCA-3'
Protein context (NP_002038.2, residues 253-273): ELADLFVNYN[Val263Ile]KSPITGNDLS